The following is an entry in ClinVar:

ClinVar aggregate classification (germline): Uncertain significance (1 of 4 stars; one submission).

Submission:

GeneDx
Classification: Uncertain significance. Last evaluated: 2024-09-10. Review status: criteria provided, single submitter. Criteria: GeneDx Variant Classification Process June 2021. Collection method: clinical testing. Allele origin: germline. Affected: yes.
Comment: Not observed at significant frequency in large population cohorts (gnomAD); In silico analysis supports that this missense variant has a deleterious effect on protein structure/function; Has not been previously published as pathogenic or benign to our knowledge

NM_004082.5(DCTN1):c.1111A>G (p.Lys371Glu)

Gene: DCTN1 (dynactin subunit 1; minus strand). Cytogenetic location: 2p13.1.
Variant type: single nucleotide variant.
Coding change: c.1111A>G on transcript NM_004082.5 (MANE Select); coding-DNA position 1111, A replaced by G.
Protein change: p.Lys371Glu; replaces lysine 371 with glutamic acid.
Molecular consequence: missense variant. On other transcripts: non-coding transcript variant (1).
Genome position (GRCh38, 1-based): chr2:74,370,482, T>C on the plus strand (A>G on the coding strand, the complement: DCTN1 is on the minus strand). VCF-style: chr2-74370482-T-C. GRCh37 (hg19) VCF-style: chr2-74597609-T-C.
Other names: c.1051A>G, p.Lys351Glu (NM_001135040.3); c.709A>G, p.Lys237Glu (NM_001135041.3, NM_023019.4); c.1000A>G, p.Lys334Glu (NM_001190836.2); c.1090A>G, p.Lys364Glu (NM_001190837.2); c.1060A>G, p.Lys354Glu (NM_001378991.1); c.1042A>G, p.Lys348Glu (NM_001378992.1); short protein forms K237E, K334E, K348E, K351E, K354E, K364E, K371E.
Identifiers: ClinVar variation 3767810 (VCV003767810.1).
Genomic context (GRCh38, chr2:74,370,482, plus strand): 5'-GAGACACAAGAGTAAGCATCAGAGGCAAGCACTGAAGACCCTACCTCACCAGGGCATCCT[T>C]CAGGCGGGCATTCTGCTCCTCAAGCTGCTTGAGCTGATAACTGGATGCAGCGCCATCTGA-3'
Protein context (NP_004073.2, residues 361-381): KQLEEQNARL[Lys371Glu]DALVRMRDLS